The following is an entry in ClinVar:

NM_001242896.3(DEPDC5):c.1224C>A (p.Tyr408Ter)

Gene: DEPDC5 (DEP domain containing 5, GATOR1 subcomplex subunit; plus strand). Cytogenetic location: 22q12.3.
Variant type: single nucleotide variant.
Coding change: c.1224C>A on transcript NM_001242896.3 (MANE Select); coding-DNA position 1224, C replaced by A.
Protein change: p.Tyr408Ter; replaces tyrosine 408 with a stop codon.
Molecular consequence: nonsense. On other transcripts: non-coding transcript variant (5).
Genome position (GRCh38, 1-based): chr22:31,806,128, C>A. VCF-style: chr22-31806128-C-A. GRCh37 (hg19) VCF-style: chr22-32202114-C-A.
Other names: c.1224C>A, p.Tyr408Ter (NM_001007188.4, NM_001136029.4, NM_001242897.2 and 7 more transcripts); c.1140C>A, p.Tyr380Ter (NM_001369901.1, NM_001369902.1); short protein forms Y380*, Y408*.
Identifiers: ClinVar variation 646869 (VCV000646869.8), dbSNP rs1602010382, ClinGen allele CA411276333.

ClinVar aggregate classification (germline): Pathogenic (1 of 4 stars; one submission).

Conditions:
Familial focal epilepsy with variable foci (FPEVF). Identifiers: Orphanet 98820, MedGen C1858477, MONDO:0020310.

Submission:

Labcorp Genetics (formerly Invitae), Labcorp
Classification: Pathogenic for Familial focal epilepsy with variable foci. Last evaluated: 2023-05-22. Review status: criteria provided, single submitter. Criteria: Invitae Variant Classification Sherloc (09022015). Collection method: clinical testing. Allele origin: germline.
Comment: For these reasons, this variant has been classified as Pathogenic. ClinVar contains an entry for this variant (Variation ID: 646869). This variant has not been reported in the literature in individuals affected with DEPDC5-related conditions. This variant is not present in population databases (gnomAD no frequency). This sequence change creates a premature translational stop signal (p.Tyr408*) in the DEPDC5 gene. It is expected to result in an absent or disrupted protein product. Loss-of-function variants in DEPDC5 are known to be pathogenic (PMID: 23542697, 23542701).

Literature cited by the submitters: PubMed 23542697; PubMed 23542701.